The following is an entry in ClinVar:

NC_000004.11:g.(?_96069879)_(96075824_?)dup

Gene: BMPR1B (bone morphogenetic protein receptor type 1B; plus strand). Cytogenetic location: 4q22.3.
Variant type: Duplication.
Identifiers: ClinVar variation 1373779 (VCV001373779.13).

ClinVar aggregate classification (germline): Uncertain significance (1 of 4 stars; one submission).

Conditions:
Type A2 brachydactyly (BDA2). Also called: Brachymesophalangy type 2; MOHR-WRIEDT TYPE BRACHYDACTYLY; BRACHYMESOPHALANGY II. Identifiers: Orphanet 93396, MedGen C1832702, MONDO:0007216, OMIM 112600, HP:0009372.
Acromesomelic dysplasia 3 (AMD3). Also called: CHONDRODYSPLASIA, ACROMESOMELIC, WITH OR WITHOUT GENITAL ANOMALIES; Acromesomelic dysplasia, Demirhan type. Identifiers: MedGen C4225404, MONDO:0012274, OMIM 609441.

Submission:

Labcorp Genetics (formerly Invitae), Labcorp
Classification: Uncertain significance for Type A2 brachydactyly; Acromesomelic dysplasia 3. Last evaluated: 2023-07-17. Review status: criteria provided, single submitter. Criteria: Invitae Variant Classification Sherloc (09022015). Collection method: clinical testing. Allele origin: germline.
Comment: This variant results in a copy number gain of the genomic region encompassing exon(s) 11-13 of the BMPR1B gene. This region includes the termination codon of the gene. This copy number gain extends beyond the assayed region for this gene and therefore may encompass additional genes. As the precise location of this event is unknown, it may be in tandem or it may be located elsewhere in the genome. This variant has not been reported in the literature in individuals affected with BMPR1B-related conditions. In summary, the available evidence is currently insufficient to determine the role of this variant in disease. Therefore, it has been classified as a Variant of Uncertain Significance.